The following is an entry in ClinVar:

NM_015409.5(EP400):c.133T>C (p.Ser45Pro)

Gene: EP400 (E1A binding protein p400; plus strand). Cytogenetic location: 12q24.33.
Variant type: single nucleotide variant.
Coding change: c.133T>C on transcript NM_015409.5 (MANE Select); coding-DNA position 133, T replaced by C.
Protein change: p.Ser45Pro; replaces serine 45 with proline.
Molecular consequence: missense variant.
Genome position (GRCh38, 1-based): chr12:131,960,752, T>C. VCF-style: chr12-131960752-T-C. GRCh37 (hg19) VCF-style: chr12-132445297-T-C.
Other names: short protein forms S45P.
Identifiers: ClinVar variation 2631342 (VCV002631342.1), dbSNP rs1397691750, ClinGen allele CA387283587.
Genomic context (GRCh38, chr12:131,960,752, plus strand): 5'-GGTGAGGAGCAGCCGGCCCACCCCAACCCACCCCCGTCCCCCGCAGCTCCCTTCGCTCCC[T>C]CAGCAAGCCCGTCGGCACCCCAGTCTCCCAGTTATCAAATACAGCAGCTGATGAATAGGA-3'
Protein context (NP_056224.3, residues 35-55): PPSPAAPFAP[Ser45Pro]ASPSAPQSPS

ClinVar aggregate classification (germline): Uncertain significance (1 of 4 stars; one submission).

Conditions:
EP400-related disorder. Also called: EP400-related condition.

Submission:

PreventionGenetics, part of Exact Sciences
Classification: Uncertain significance for EP400-related condition. Last evaluated: 2023-08-15. Review status: criteria provided, single submitter. Criteria: ACMG Guidelines, 2015. Collection method: clinical testing. Allele origin: germline.
Comment: The EP400 c.133T>C variant is predicted to result in the amino acid substitution p.Ser45Pro. To our knowledge, this variant has not been reported in the literature or in a large population database, indicating this variant is rare. At this time, the clinical significance of this variant is uncertain due to the absence of conclusive functional and genetic evidence.